The following is an entry in ClinVar:

NM_177438.3(DICER1):c.2949C>T (p.Leu983=)

Gene: DICER1 (dicer 1, ribonuclease III; minus strand). Cytogenetic location: 14q32.13.
Variant type: single nucleotide variant.
Coding change: c.2949C>T on transcript NM_177438.3 (MANE Select); coding-DNA position 2949, C replaced by T.
Protein change: p.Leu983=; no amino-acid change (leucine 983 retained).
Molecular consequence: synonymous variant.
Genome position (GRCh38, 1-based): chr14:95,106,079, G>A on the plus strand (C>T on the coding strand, the complement: DICER1 is on the minus strand). VCF-style: chr14-95106079-G-A. GRCh37 (hg19) VCF-style: chr14-95572416-G-A.
Other names: c.2949C>T, p.Leu983= (NM_001195573.1, NM_001271282.3, NM_001291628.2 and 1 more transcripts).
Identifiers: ClinVar variation 483410 (VCV000483410.42), dbSNP rs1555370277, ClinGen allele CA487844617.

ClinVar aggregate classification (germline): Benign/Likely benign. Review status: criteria provided, multiple submitters, no conflicts (2 of 4 stars). 5 submissions from 5 submitters: Benign (1); Likely benign (4). Last evaluated 2026-08-19.

Conditions:
DICER1-related tumor predisposition. Also called: DICER1 syndrome; DICER1-related pleuropulmonary blastoma cancer predisposition syndrome. Identifiers: Orphanet 284343, MedGen C3839822, MONDO:0100216.
Hereditary cancer-predisposing syndrome. Also called: Tumor predisposition; Neoplastic Syndromes, Hereditary; Hereditary Cancer Syndrome; Hereditary neoplastic syndrome. Identifiers: Orphanet 140162, MedGen C0027672, MeSH D009386, MONDO:0015356.

Allele frequency attached by ClinVar (database versions not stated): gnomAD exomes below 0.00001.
gnomAD v4.1: 6 of 1,614,194 alleles (0.00037%); highest among the groups gnomAD compares: Non-Finnish European, 0.00051%; no homozygotes.

Submissions (5):

Myriad Genetics, Inc.
Classification: Benign for DICER1-related tumor predisposition. Last evaluated: 2026-08-19. Review status: criteria provided, single submitter. Criteria: Myriad Autosomal Dominant, Autosomal Recessive and X-Linked Classification Criteria (2023). Collection method: clinical testing. Allele origin: unknown.
Comment: This variant is considered benign. This variant is a silent/synonymous amino acid change and it is not expected to impact splicing.

Labcorp Genetics (formerly Invitae), Labcorp
Classification: Likely benign for DICER1-related tumor predisposition. Last evaluated: 2025-12-13. Review status: criteria provided, single submitter. Criteria: Invitae Variant Classification Sherloc (09022015). Collection method: clinical testing. Allele origin: germline.

Center for Genomic Medicine, Rigshospitalet, Copenhagen University Hospital
Classification: Likely benign. Last evaluated: 2025-03-04. Review status: criteria provided, single submitter. Criteria: ACMG Guidelines, 2015. Collection method: clinical testing. Allele origin: germline.

CeGaT Center for Human Genetics Tuebingen
Classification: Likely benign. Last evaluated: 2023-03-01. Review status: criteria provided, single submitter. Criteria: CeGaT Center For Human Genetics Tuebingen Variant Classification Criteria Version 2. Collection method: clinical testing. Allele origin: germline. Affected: yes. Observed: 1 variant allele.
Comment: DICER1: PM2:Supporting, BP4, BP7

Ambry Genetics
Classification: Likely benign for Hereditary cancer-predisposing syndrome. Last evaluated: 2017-11-07. Review status: criteria provided, single submitter. Criteria: Ambry Variant Classification Scheme 2023. Collection method: clinical testing. Allele origin: germline.